The following is an entry in ClinVar:

NM_018010.4(IFT57):c.600T>A (p.Asp200Glu)

Gene: IFT57 (intraflagellar transport 57; minus strand). Cytogenetic location: 3q13.13.
Variant type: single nucleotide variant.
Coding change: c.600T>A on transcript NM_018010.4 (MANE Select); coding-DNA position 600, T replaced by A.
Protein change: p.Asp200Glu; replaces aspartic acid 200 with glutamic acid.
Molecular consequence: missense variant.
Genome position (GRCh38, 1-based): chr3:108,206,682, A>T on the plus strand (T>A on the coding strand, the complement: IFT57 is on the minus strand). VCF-style: chr3-108206682-A-T. GRCh37 (hg19) VCF-style: chr3-107925529-A-T.
Other names: short protein forms D200E.
Identifiers: ClinVar variation 1383551 (VCV001383551.8), dbSNP rs758727179, ClinGen allele CA2526657.
Genomic context (GRCh38, chr3:108,206,682, plus strand): 5'-ACTTACCAAGTGATATGTCTGGGCCTTTAAAACGTTGAGATCAATAAAGTTTTCTTCATT[A>T]TCTGTCTCTTCTTCCTTAGAAAATAAATTTTTAAAAAATTATTAAAAATTATAATTAAAA-3'
Protein context (NP_060480.1, residues 190-210): VDEEFVEEET[Asp200Glu]NEENFIDLNV

ClinVar aggregate classification (germline): Uncertain significance (1 of 4 stars; one submission).

Allele frequency attached by ClinVar (database versions not stated): gnomAD exomes below 0.00001 and 0.00001; TOPMed below 0.00001; ExAC 0.00002.
gnomAD v4.1: 5 of 1,316,530 alleles (0.00038%); highest among the groups gnomAD compares: Middle Eastern, 0.02%; no homozygotes.

Submission:

Labcorp Genetics (formerly Invitae), Labcorp
Classification: Uncertain significance. Last evaluated: 2020-12-28. Review status: criteria provided, single submitter. Criteria: Invitae Variant Classification Sherloc (09022015). Collection method: clinical testing. Allele origin: germline.
Comment: In summary, the available evidence is currently insufficient to determine the role of this variant in disease. Therefore, it has been classified as a Variant of Uncertain Significance. Algorithms developed to predict the effect of missense changes on protein structure and function are either unavailable or do not agree on the potential impact of this missense change (SIFT: "Deleterious"; PolyPhen-2: "Benign"; Align-GVGD: "Class C0"). This variant has not been reported in the literature in individuals with IFT57-related conditions. This variant is present in population databases (rs758727179, ExAC 0.006%). This sequence change replaces aspartic acid with glutamic acid at codon 200 of the IFT57 protein (p.Asp200Glu). The aspartic acid residue is highly conserved and there is a small physicochemical difference between aspartic acid and glutamic acid.